The following is an entry in ClinVar:

ClinVar aggregate classification (germline): Uncertain significance. Review status: criteria provided, multiple submitters, no conflicts (2 of 4 stars). 2 submissions from 2 submitters: Uncertain significance (2). Last evaluated 2024-11-18.

Conditions:
Succinate-semialdehyde dehydrogenase deficiency (SSADHD). Also called: GABA METABOLIC DEFECT; SSADH DEFICIENCY; 4-HYDROXYBUTYRIC ACIDURIA; Succinic Semialdehyde Dehydrogenase Deficiency. Identifiers: Orphanet 22, MedGen C0268631, MONDO:0010083, OMIM 271980.

Allele frequency attached by ClinVar (database versions not stated): gnomAD exomes 0.00001 and 0.00002; ExAC 0.00002.
gnomAD v4.1: 20 of 1,613,844 alleles (0.0012%); highest among the groups gnomAD compares: South Asian, 0.0033%; no homozygotes.

Submissions (2):

Blueprint Genetics
Classification: Uncertain significance. Last evaluated: 2024-11-18. Review status: criteria provided, single submitter. Criteria: ACMG Guidelines, 2015. Collection method: clinical testing. Allele origin: germline.

Labcorp Genetics (formerly Invitae), Labcorp
Classification: Uncertain significance for Succinate-semialdehyde dehydrogenase deficiency. Last evaluated: 2021-12-24. Review status: criteria provided, single submitter. Criteria: Invitae Variant Classification Sherloc (09022015). Collection method: clinical testing. Allele origin: germline.
Comment: This sequence change replaces arginine, which is basic and polar, with glutamine, which is neutral and polar, at codon 187 of the ALDH5A1 protein (p.Arg187Gln). This variant is present in population databases (rs755160772, gnomAD 0.003%). This variant has not been reported in the literature in individuals affected with ALDH5A1-related conditions. ClinVar contains an entry for this variant (Variation ID: 849116). Advanced modeling of protein sequence and biophysical properties (such as structural, functional, and spatial information, amino acid conservation, physicochemical variation, residue mobility, and thermodynamic stability) performed at Invitae indicates that this missense variant is not expected to disrupt ALDH5A1 protein function. In summary, the available evidence is currently insufficient to determine the role of this variant in disease. Therefore, it has been classified as a Variant of Uncertain Significance.

NM_001080.3(ALDH5A1):c.560G>A (p.Arg187Gln)

Gene: ALDH5A1 (aldehyde dehydrogenase 5 family member A1; plus strand). Cytogenetic location: 6p22.3.
Variant type: single nucleotide variant.
Coding change: c.560G>A on transcript NM_001080.3 (MANE Select); coding-DNA position 560, G replaced by A.
Protein change: p.Arg187Gln; replaces arginine 187 with glutamine.
Molecular consequence: missense variant.
Genome position (GRCh38, 1-based): chr6:24,503,384, G>A. VCF-style: chr6-24503384-G-A. GRCh37 (hg19) VCF-style: chr6-24503612-G-A.
Other names: c.560G>A, p.Arg187Gln (NM_001368954.1, NM_170740.1); short protein forms R187Q.
Identifiers: ClinVar variation 849116 (VCV000849116.8), dbSNP rs755160772, ClinGen allele CA3656653.